The following is an entry in ClinVar:

NM_001457.4(FLNB):c.2251G>A (p.Gly751Ser)

Gene: FLNB (filamin B; plus strand). Cytogenetic location: 3p14.3.
Variant type: single nucleotide variant.
Coding change: c.2251G>A on transcript NM_001457.4 (MANE Select); coding-DNA position 2251, G replaced by A.
Protein change: p.Gly751Ser; replaces glycine 751 with serine.
Molecular consequence: missense variant.
Genome position (GRCh38, 1-based): chr3:58,109,627, G>A. VCF-style: chr3-58109627-G-A. GRCh37 (hg19) VCF-style: chr3-58095354-G-A.
Other names: c.2251G>A, p.Gly751Ser (NM_001164317.2, NM_001164318.2, NM_001164319.2); short protein forms G751S.
Identifiers: ClinVar variation 2813876 (VCV002813876.3), dbSNP rs28937587, ClinGen allele CA353343390.

ClinVar aggregate classification (germline): Uncertain significance (1 of 4 stars; one submission).

Allele frequency attached by ClinVar (database versions not stated): gnomAD exomes below 0.00001; TOPMed below 0.00001.
gnomAD v4.1: 2 of 1,614,206 alleles (0.00012%); highest among the groups gnomAD compares: Non-Finnish European, 0.00017%; no homozygotes.

Submission:

Labcorp Genetics (formerly Invitae), Labcorp
Classification: Uncertain significance. Last evaluated: 2023-05-11. Review status: criteria provided, single submitter. Criteria: Invitae Variant Classification Sherloc (09022015). Collection method: clinical testing. Allele origin: germline.
Comment: In summary, the available evidence is currently insufficient to determine the role of this variant in disease. Therefore, it has been classified as a Variant of Uncertain Significance. Advanced modeling of protein sequence and biophysical properties (such as structural, functional, and spatial information, amino acid conservation, physicochemical variation, residue mobility, and thermodynamic stability) performed at Invitae indicates that this missense variant is not expected to disrupt FLNB protein function. This variant has not been reported in the literature in individuals affected with FLNB-related conditions. This variant is not present in population databases (gnomAD no frequency). This sequence change replaces glycine, which is neutral and non-polar, with serine, which is neutral and polar, at codon 751 of the FLNB protein (p.Gly751Ser).